The following is an entry in ClinVar:

NM_001367624.2(ZNF469):c.10880C>T (p.Pro3627Leu)

Gene: ZNF469 (zinc finger protein 469; plus strand). Cytogenetic location: 16q24.2.
Variant type: single nucleotide variant.
Coding change: c.10880C>T on transcript NM_001367624.2 (MANE Select); coding-DNA position 10880, C replaced by T.
Protein change: p.Pro3627Leu; replaces proline 3627 with leucine.
Molecular consequence: missense variant.
Genome position (GRCh38, 1-based): chr16:88,438,350, C>T. VCF-style: chr16-88438350-C-T. GRCh37 (hg19) VCF-style: chr16-88504758-C-T.
Other names: NM_001127464.1:c.10796C>T; short protein forms P3627L.
Identifiers: ClinVar variation 1991301 (VCV001991301.5), dbSNP rs770544807, ClinGen allele CA8225559.

ClinVar aggregate classification (germline): Conflicting classifications of pathogenicity. Review status: criteria provided, conflicting classifications (1 of 4 stars). 3 submissions from 3 submitters: Uncertain significance (2); Likely benign (1). Last evaluated 2026-06-23.

Conditions:
Cardiovascular phenotype. Identifiers: MedGen CN230736.

Allele frequency attached by ClinVar (database versions not stated): TOPMed 0.00005; gnomAD 0.00004; ExAC 0.00013; gnomAD exomes 0.00001.
gnomAD v4.1: 25 of 1,550,068 alleles (0.0016%); highest among the groups gnomAD compares: African/African-American, 0.0068%; no homozygotes.

Submissions (3):

Ambry Genetics
Classification: Likely benign for Cardiovascular phenotype. Last evaluated: 2026-06-23. Review status: criteria provided, single submitter. Criteria: Ambry Variant Classification Scheme 2023. Collection method: clinical testing. Allele origin: germline.

Women's Health and Genetics/Laboratory Corporation of America, LabCorp
Classification: Uncertain significance. Last evaluated: 2026-01-13. Review status: criteria provided, single submitter. Criteria: LabCorp Variant Classification Summary - May 2015. Collection method: clinical testing. Allele origin: germline.
Comment: Variant summary: ZNF469 c.10880C>T (p.Pro3627Leu) results in a non-conservative amino acid change in the encoded protein sequence. Algorithms developed to predict the effect of missense changes on protein structure and function are either unavailable or do not agree on the potential impact of this missense change. The variant allele was found at a frequency of 3.3e-05 in 149558 control chromosomes. The available data on variant occurrences in the general population are insufficient to allow any conclusion about variant significance. To our knowledge, no occurrence of c.10880C>T in individuals affected with ZNF469-related conditions and no experimental evidence demonstrating its impact on protein function have been reported. ClinVar contains an entry for this variant (Variation ID: 1991301). Based on the evidence outlined above, the variant was classified as uncertain significance.

Labcorp Genetics (formerly Invitae), Labcorp
Classification: Uncertain significance. Last evaluated: 2025-09-04. Review status: criteria provided, single submitter. Criteria: Invitae Variant Classification Sherloc (09022015). Collection method: clinical testing. Allele origin: germline.
Comment: This sequence change replaces proline, which is neutral and non-polar, with leucine, which is neutral and non-polar, at codon 3599 of the ZNF469 protein (p.Pro3599Leu). This variant is present in population databases (rs770544807, gnomAD 0.01%). This variant has not been reported in the literature in individuals affected with ZNF469-related conditions. ClinVar contains an entry for this variant (Variation ID: 1991301). An algorithm developed to predict the effect of missense changes on protein structure and function outputs the following: PolyPhen-2: "Benign". The leucine amino acid residue is found in multiple mammalian species, which suggests that this missense change does not adversely affect protein function. In summary, the available evidence is currently insufficient to determine the role of this variant in disease. Therefore, it has been classified as a Variant of Uncertain Significance.